The following is an entry in ClinVar:

ClinVar aggregate classification (germline): Uncertain significance (1 of 4 stars; one submission).

Conditions:
DK1-congenital disorder of glycosylation. Also called: CONGENITAL DISORDER OF GLYCOSYLATION, TYPE Im; CDG Im; DK1 DEFICIENCY; DOLICHOL KINASE DEFICIENCY; DK1-CDG; DOLK-congenital disorder of glycosylation. Identifiers: Orphanet 91131, MedGen C1835849, MONDO:0012556, OMIM 610768.

Submission:

Labcorp Genetics (formerly Invitae), Labcorp
Classification: Uncertain significance for DK1-congenital disorder of glycosylation. Last evaluated: 2025-02-03. Review status: criteria provided, single submitter. Criteria: Invitae Variant Classification Sherloc (09022015). Collection method: clinical testing. Allele origin: germline.
Comment: This sequence change replaces cysteine, which is neutral and slightly polar, with tyrosine, which is neutral and polar, at codon 141 of the DOLK protein (p.Cys141Tyr). This variant is not present in population databases (gnomAD no frequency). This variant has not been reported in the literature in individuals affected with DOLK-related conditions. Invitae Evidence Modeling of protein sequence and biophysical properties (such as structural, functional, and spatial information, amino acid conservation, physicochemical variation, residue mobility, and thermodynamic stability) indicates that this missense variant is not expected to disrupt DOLK protein function with a negative predictive value of 80%. In summary, the available evidence is currently insufficient to determine the role of this variant in disease. Therefore, it has been classified as a Variant of Uncertain Significance.

NM_014908.4(DOLK):c.422G>A (p.Cys141Tyr)

Gene: DOLK (dolichol kinase; minus strand). Cytogenetic location: 9q34.11.
Variant type: single nucleotide variant.
Coding change: c.422G>A on transcript NM_014908.4 (MANE Select); coding-DNA position 422, G replaced by A.
Protein change: p.Cys141Tyr; replaces cysteine 141 with tyrosine.
Molecular consequence: missense variant.
Genome position (GRCh38, 1-based): chr9:128,946,882, C>T on the plus strand (G>A on the coding strand, the complement: DOLK is on the minus strand). VCF-style: chr9-128946882-C-T. GRCh37 (hg19) VCF-style: chr9-131709161-C-T.
Other names: short protein forms C141Y.
Identifiers: ClinVar variation 4762937 (VCV004762937.1).